The following is an entry in ClinVar:

NM_001044385.3(TMEM237):c.22C>T (p.Arg8Trp)

Genes: TMEM237 (transmembrane protein 237; minus strand), LOC129935417 (ATAC-STARR-seq lymphoblastoid silent region 12235; plus strand). Cytogenetic location: 2q33.1.
Variant type: single nucleotide variant.
Coding change: c.22C>T on transcript NM_001044385.3 (MANE Select); coding-DNA position 22, C replaced by T.
Protein change: p.Arg8Trp; replaces arginine 8 with tryptophan.
Molecular consequence: missense variant.
Genome position (GRCh38, 1-based): chr2:201,643,379, G>A on the plus strand (C>T on the coding strand, the complement: TMEM237 is on the minus strand). VCF-style: chr2-201643379-G-A. GRCh37 (hg19) VCF-style: chr2-202508102-G-A.
Other names: short protein forms R8W.
Identifiers: ClinVar variation 1036679 (VCV001036679.8), dbSNP rs972949531, ClinGen allele CA63963847.

ClinVar aggregate classification (germline): Uncertain significance. Review status: criteria provided, multiple submitters, no conflicts (2 of 4 stars). 3 submissions from 3 submitters: Uncertain significance (3). Last evaluated 2024-04-03.

Conditions:
Joubert syndrome 14 (JBTS14). Identifiers: MedGen C3280766, MONDO:0013745, OMIM 614424.

Allele frequency attached by ClinVar (database versions not stated): gnomAD exomes 0.00002 and 0.00008; gnomAD 0.00003 and 0.00004; TOPMed 0.00005.
gnomAD v4.1: 114 of 1,543,226 alleles (0.0074%); highest among the groups gnomAD compares: Non-Finnish European, 0.0094%; no homozygotes.

Submissions (3):

Fulgent Genetics
Classification: Uncertain significance for Joubert syndrome 14. Last evaluated: 2024-04-03. Review status: criteria provided, single submitter. Criteria: ACMG Guidelines, 2015. Collection method: clinical testing. Allele origin: germline.

Blueprint Genetics
Classification: Uncertain significance. Last evaluated: 2024-03-05. Review status: criteria provided, single submitter. Criteria: ACMG Guidelines, 2015. Collection method: clinical testing. Allele origin: germline.

Labcorp Genetics (formerly Invitae), Labcorp
Classification: Uncertain significance for Joubert syndrome 14. Last evaluated: 2022-03-27. Review status: criteria provided, single submitter. Criteria: Invitae Variant Classification Sherloc (09022015). Collection method: clinical testing. Allele origin: germline.
Comment: This sequence change replaces arginine, which is basic and polar, with tryptophan, which is neutral and slightly polar, at codon 8 of the TMEM237 protein (p.Arg8Trp). The frequency data for this variant in the population databases is considered unreliable, as metrics indicate poor data quality at this position in the gnomAD database. This variant has not been reported in the literature in individuals affected with TMEM237-related conditions. ClinVar contains an entry for this variant (Variation ID: 1036679). Algorithms developed to predict the effect of missense changes on protein structure and function are either unavailable or do not agree on the potential impact of this missense change (SIFT: "Deleterious"; PolyPhen-2: "Benign"; Align-GVGD: "Class C0"). In summary, the available evidence is currently insufficient to determine the role of this variant in disease. Therefore, it has been classified as a Variant of Uncertain Significance.